The following is an entry in ClinVar:

NM_003728.4(UNC5C):c.1524G>A (p.Ser508=)

Genes: UNC5C (unc-5 netrin receptor C; minus strand), LOC126807113 (CDK7 strongly-dependent group 2 enhancer GRCh37_chr4:96140095-96141294; plus strand). Cytogenetic location: 4q22.3.
Variant type: single nucleotide variant.
Coding change: c.1524G>A on transcript NM_003728.4 (MANE Select); coding-DNA position 1524, G replaced by A.
Protein change: p.Ser508=; no amino-acid change (serine 508 retained).
Molecular consequence: synonymous variant.
Genome position (GRCh38, 1-based): chr4:95,219,090, C>T on the plus strand (G>A on the coding strand, the complement: UNC5C is on the minus strand). VCF-style: chr4-95219090-C-T. GRCh37 (hg19) VCF-style: chr4-96140241-C-T.
Other names: c.1524G>A (NM_003728.3).
Identifiers: ClinVar variation 2654957 (VCV002654957.25), dbSNP rs147827953, ClinGen allele CA3015665.

ClinVar aggregate classification (germline): Likely benign. Review status: criteria provided, single submitter (1 of 4 stars). 2 submissions from 2 submitters: Likely benign (1). 1 of the submissions does not count toward it. Last evaluated 2022-12-01.

Conditions:
UNC5C-related disorder. Also called: UNC5C-related condition.

Allele frequency attached by ClinVar (database versions not stated): 1000 Genomes Project 30x 0.00016; 1000 Genomes Project 0.00020; gnomAD exomes 0.00032; ExAC 0.00037; ESP Exome Variant Server 0.00062.
gnomAD v4.1: 573 of 1,614,138 alleles (0.035%); highest among the groups gnomAD compares: Middle Eastern, 0.23%; 2 homozygotes.

Submissions (2):

CeGaT Center for Human Genetics Tuebingen
Classification: Likely benign. Last evaluated: 2022-12-01. Review status: criteria provided, single submitter. Criteria: CeGaT Center For Human Genetics Tuebingen Variant Classification Criteria Version 2. Collection method: clinical testing. Allele origin: germline. Affected: yes. Observed: 1 variant allele.
Comment: UNC5C: BP4, BP7

PreventionGenetics, part of Exact Sciences
Classification: Likely benign for UNC5C-related condition. Last evaluated: 2019-04-11. Review status: no assertion criteria provided. Collection method: clinical testing. Allele origin: germline. Not counted in ClinVar's aggregate classification.
Comment: This variant is classified as likely benign based on ACMG/AMP sequence variant interpretation guidelines (Richards et al. 2015 PMID: 25741868, with internal and published modifications).